The following is an entry in ClinVar:

ClinVar aggregate classification (germline): Pathogenic/Likely pathogenic. Review status: criteria provided, multiple submitters, no conflicts (2 of 4 stars). 7 submissions from 7 submitters: Pathogenic (6); Likely pathogenic (1). Last evaluated 2026-09-08.

Conditions:
Fabry disease. Also called: Ceramide trihexosidosis; Fabry's disease; Angiokeratoma corporis diffusum; ALPHA-GALACTOSIDASE A DEFICIENCY; ANDERSON-FABRY DISEASE; CERAMIDE TRIHEXOSIDASE DEFICIENCY. Identifiers: Orphanet 324, MedGen C0002986, MONDO:0010526, OMIM 301500, HP:0001071. Disease mechanism: Fabry disease is due to inactivating mutations in the X-linked GLA gene resulting in deficiency of the enzyme Alpha Galactosidase-A., loss of function.

Submissions (7):

Genomenon, Inc
Classification: Pathogenic for Fabry disease. Last evaluated: 2026-09-08. Review status: criteria provided, single submitter. Criteria: Genomenon Sequence Variant Interpretation Standards - Updated. Collection method: curation. Allele origin: germline. Affected: yes.
Comment: GLA p.Met353AspfsTer21 (c.1057_1058del) is a frameshift variant that is predicted to introduce a premature termination codon and result in a truncated or absent protein product. This variant has been observed in at least one proband with clinical features consistent with Fabry disease (PMID:16148726;9100224;29079200). It is absent or not present at a significant frequency in gnomAD. In conclusion, we classify GLA p.Met353AspfsTer21 (c.1057_1058del) as a pathogenic variant.

Color Diagnostics, LLC DBA Color Health
Classification: Pathogenic for Fabry disease. Last evaluated: 2025-06-18. Review status: criteria provided, single submitter. Criteria: ACMG Guidelines, 2015. Collection method: clinical testing. Allele origin: germline.
Comment: This variant deletes two nucleotides in exon 7 of the GLA gene, creating a frameshift and premature translation stop signal in the last coding exon. This variant is expected to result in an absent or non-functional protein product. This variant is predicted to escape nonsense-mediated decay and be expressed as a truncated protein. Although functional studies have not been reported, this variant is expected to disrupt GLA protein function and result in significant reduction in residual alpha-galactosidase activity (PMID: 8878432). In addition, truncating variants occurring downstream of this variant are known to be disease-causing (ClinVar variation ID: 1324474, 1098795, 222173). This variant has been reported in an individual affected with classic Fabry disease (PMID: 9100224). This variant has not been identified in the general population by the Genome Aggregation Database (gnomAD). Based on the available evidence, this variant is classified as Pathogenic.

Revvity Omics, Revvity
Classification: Pathogenic. Last evaluated: 2024-03-06. Review status: criteria provided, single submitter. Criteria: ACMG Guidelines, 2015. Collection method: clinical testing. Allele origin: germline.

Genome-Nilou Lab
Classification: Pathogenic for Fabry disease. Last evaluated: 2021-07-15. Review status: criteria provided, single submitter. Criteria: ACMG Guidelines, 2015. Collection method: clinical testing. Allele origin: germline. Affected: no.

Labcorp Genetics (formerly Invitae), Labcorp
Classification: Pathogenic for Fabry disease. Last evaluated: 2021-06-24. Review status: criteria provided, single submitter. Criteria: Invitae Variant Classification Sherloc (09022015). Collection method: clinical testing. Allele origin: germline.
Comment: This sequence change creates a premature translational stop signal (p.Met353Aspfs*21) in the GLA gene. While this is not anticipated to result in nonsense mediated decay, it is expected to disrupt the last 77 amino acid(s) of the GLA protein. This variant is not present in population databases (ExAC no frequency). This variant has been observed in individual(s) with Fabry disease (PMID: 9100224). ClinVar contains an entry for this variant (Variation ID: 284485). This variant disrupts the C-terminus of the GLA protein. Other variant(s) that disrupt this region (p.Tyr397Metfs*7) have been determined to be pathogenic (PMID: 10666480). This suggests that variants that disrupt this region of the protein are likely to be causative of disease. For these reasons, this variant has been classified as Pathogenic.

Women's Health and Genetics/Laboratory Corporation of America, LabCorp
Classification: Likely pathogenic for Fabry disease. Last evaluated: 2016-06-02. Review status: criteria provided, single submitter. Criteria: LabCorp Variant Classification Summary - May 2015. Collection method: clinical testing. Allele origin: germline.
Comment: Variant summary: The GLA c.1057_1058delAT (p.Met353Aspfs) variant results in a premature termination codon, predicted to cause a truncated or absent GLA protein, which are commonly known mechanisms for disease. The variant of interest was not observed in controls (ExAC, 1000 Gs or ESP) and has been reported in one affected individual via a publication. Therefore, taking all available lines of evidence into consideration, the variant of interest is classified as a "Probable Disease Variant/Likely Pathogenic," until additional information becomes available.

Eurofins Ntd Llc (ga)
Classification: Pathogenic. Last evaluated: 2015-10-30. Review status: criteria provided, single submitter. Criteria: EGL Classification Definitions 2015. Collection method: clinical testing. Allele origin: germline. Observed: 1 variant allele, 1 heterozygote.

Literature cited by the submitters: PubMed 16148726 (cited by Genomenon, Inc); PubMed 9100224 (cited by 4 submitters); PubMed 29079200 (cited by Genomenon, Inc); PubMed 8878432 (cited by Color Diagnostics, LLC DBA Color Health); PubMed 10666480 (cited by Labcorp Genetics (formerly Invitae), Labcorp).

NM_000169.3(GLA):c.1057_1058del (p.Met353fs)

Genes: GLA (galactosidase alpha; minus strand), RPL36A-HNRNPH2 (RPL36A-HNRNPH2 readthrough; plus strand). Cytogenetic location: Xq22.1.
Variant type: Deletion.
Coding change: c.1057_1058del on transcript NM_000169.3 (MANE Select); coding-DNA positions 1057 to 1058, 2 bases deleted (AT; older notation c.1057_1058delAT).
Protein change: p.Met353fs; shifts the reading frame from methionine 353.
Molecular consequence: frameshift variant. On other transcripts: non-coding transcript variant (3), intron variant (2).
Genome position (GRCh38, 1-based): chrX:101,398,041-101,398,042, AT deleted on the plus strand (AT on the coding strand, the reverse complement: GLA is on the minus strand); deleting any 2 consecutive bases within chrX:101,398,041-101,398,043 gives the same sequence; the c. name uses the placement nearest the transcript's 3' end. VCF-style (leftmost placement, unchanged base first): chrX-101398040-CAT-C. GRCh37 (hg19) VCF-style: chrX-100653028-CAT-C.
Other names: c.1057_1058delAT (NM_000169.2); c.1180_1181del, p.Met394fs (NM_001406747.1); c.300+2585_300+2586del (NM_001199973.2); c.177+6220_177+6221del (NM_001199974.2); c.1057_1058del (NM_000169.2); short protein forms M353fs, M394fs.
Identifiers: ClinVar variation 284485 (VCV000284485.18), dbSNP rs886044829, ClinGen allele CA10604810.